The following is an entry in ClinVar:

ClinVar aggregate classification (germline): Uncertain significance (1 of 4 stars; one submission).

Submission:

Labcorp Genetics (formerly Invitae), Labcorp
Classification: Uncertain significance. Last evaluated: 2024-01-31. Review status: criteria provided, single submitter. Criteria: Invitae Variant Classification Sherloc (09022015). Collection method: clinical testing. Allele origin: germline.
Comment: This variant, c.478_480del, results in the deletion of 1 amino acid(s) of the CD151 protein (p.Asn160del), but otherwise preserves the integrity of the reading frame. This variant is not present in population databases (gnomAD no frequency). This variant has not been reported in the literature in individuals affected with CD151-related conditions. Experimental studies and prediction algorithms are not available or were not evaluated, and the functional significance of this variant is currently unknown. In summary, the available evidence is currently insufficient to determine the role of this variant in disease. Therefore, it has been classified as a Variant of Uncertain Significance.

NM_004357.5(CD151):c.475AAC[1] (p.Asn160del)

Gene: CD151 (CD151 molecule (Raph blood group); plus strand). Cytogenetic location: 11p15.5.
Variant type: Microsatellite.
Coding change: c.475AAC[1] on transcript NM_004357.5 (MANE Select); one copy of the 3-base unit AAC starting at c.475; the reference has two copies in a row; one copy, 3 bases deleted.
Protein change: p.Asn160del; deletes asparagine 160.
Genome position (GRCh38, 1-based): chr11:837,481-837,483, AAC deleted; deleting any 3 consecutive bases within chr11:837,477-837,483 gives the same sequence; the position shown is the placement nearest the transcript's 3' end. VCF-style (leftmost placement, unchanged base first): chr11-837476-GCAA-G. GRCh37 (hg19) VCF-style: chr11-837476-GCAA-G.
Other names: c.475AAC[1], p.Asn160del (NM_001039490.2, NM_139029.2, NM_139030.4); short protein forms N160del.
Identifiers: ClinVar variation 3631489 (VCV003631489.2).